The following is an entry in ClinVar:

ClinVar aggregate classification (germline): Uncertain significance. Review status: criteria provided, multiple submitters, no conflicts (2 of 4 stars). 5 submissions from 5 submitters: Uncertain significance (4). 1 of the submissions does not count toward it. Last evaluated 2025-02-27.

Conditions:
CLCN1-related disorder. Also called: CLCN1-related condition.
Congenital myotonia, autosomal dominant form (THD). Also called: THOMSEN DISEASE; Myotonia congenita autosomal dominant. Identifiers: Orphanet 614, MedGen C2936781, MONDO:0008055, OMIM 160800.
Congenital myotonia, autosomal recessive form. Also called: myotonia congenita, autosomal recessive; BECKER DISEASE; Becker Generalized Myotonia. Identifiers: Orphanet 614, MedGen C0751360, MONDO:0009715, OMIM 255700.

Allele frequency attached by ClinVar (database versions not stated): gnomAD exomes 0.00001; TOPMed 0.00002; gnomAD 0.00003.

Submissions (5):

Labcorp Genetics (formerly Invitae), Labcorp
Classification: Uncertain significance for Congenital myotonia, autosomal recessive form; Congenital myotonia, autosomal dominant form. Last evaluated: 2025-02-27. Review status: criteria provided, single submitter. Criteria: Invitae Variant Classification Sherloc (09022015). Collection method: clinical testing. Allele origin: germline.
Comment: This sequence change replaces aspartic acid, which is acidic and polar, with glycine, which is neutral and non-polar, at codon 514 of the CLCN1 protein (p.Asp514Gly). This variant is present in population databases (no rsID available, gnomAD 0.004%). This variant has not been reported in the literature in individuals affected with CLCN1-related conditions. ClinVar contains an entry for this variant (Variation ID: 804702). Invitae Evidence Modeling of protein sequence and biophysical properties (such as structural, functional, and spatial information, amino acid conservation, physicochemical variation, residue mobility, and thermodynamic stability) indicates that this missense variant is not expected to disrupt CLCN1 protein function with a negative predictive value of 95%. In summary, the available evidence is currently insufficient to determine the role of this variant in disease. Therefore, it has been classified as a Variant of Uncertain Significance.

GeneDx
Classification: Uncertain significance. Last evaluated: 2024-12-27. Review status: criteria provided, single submitter. Criteria: GeneDx Variant Classification Process June 2021. Collection method: clinical testing. Allele origin: germline. Affected: yes.
Comment: Not observed at significant frequency in large population cohorts (gnomAD); In silico analysis indicates that this missense variant does not alter protein structure/function; Has not been previously published as pathogenic or benign to our knowledge

Blueprint Genetics
Classification: Uncertain significance. Last evaluated: 2021-11-08. Review status: criteria provided, single submitter. Criteria: ACMG Guidelines, 2015. Collection method: clinical testing. Allele origin: germline.

Athena Diagnostics
Classification: Uncertain significance. Last evaluated: 2018-11-13. Review status: criteria provided, single submitter. Criteria: Athena Diagnostics Criteria. Collection method: clinical testing. Allele origin: germline.

PreventionGenetics, part of Exact Sciences
Classification: Uncertain significance for CLCN1-related condition. Last evaluated: 2024-08-07. Review status: no assertion criteria provided. Collection method: clinical testing. Allele origin: germline. Not counted in ClinVar's aggregate classification.
Comment: The CLCN1 c.1541A>G variant is predicted to result in the amino acid substitution p.Asp514Gly. To our knowledge, this variant has not been reported in the literature. This variant is reported in 0.0040% of alleles in individuals of European (Finnish) descent in gnomAD. At this time, the clinical significance of this variant is uncertain due to the absence of conclusive functional and genetic evidence.

NM_000083.3(CLCN1):c.1541A>G (p.Asp514Gly)

Gene: CLCN1 (chloride voltage-gated channel 1; plus strand). Cytogenetic location: 7q34.
Variant type: single nucleotide variant.
Coding change: c.1541A>G on transcript NM_000083.3 (MANE Select); coding-DNA position 1541, A replaced by G.
Protein change: p.Asp514Gly; replaces aspartic acid 514 with glycine.
Molecular consequence: missense variant. On other transcripts: non-coding transcript variant (1).
Genome position (GRCh38, 1-based): chr7:143,339,580, A>G. VCF-style: chr7-143339580-A-G. GRCh37 (hg19) VCF-style: chr7-143036673-A-G.
Other names: short protein forms D514G.
Identifiers: ClinVar variation 804702 (VCV000804702.8), dbSNP rs1441046956, ClinGen allele CA369645814.